The following is an entry in ClinVar:

NM_001085487.3(MYSM1):c.400-2A>C

Gene: MYSM1 (Myb like, SWIRM and MPN domains 1; minus strand). Cytogenetic location: 1p32.1.
Variant type: single nucleotide variant.
Coding change: c.400-2A>C on transcript NM_001085487.3 (MANE Select); the canonical splice acceptor site of the intron before coding-DNA position 400, A replaced by C.
Molecular consequence: splice acceptor variant.
Genome position (GRCh38, 1-based): chr1:58,685,253, T>G on the plus strand (A>C on the coding strand, the complement: MYSM1 is on the minus strand). VCF-style: chr1-58685253-T-G. GRCh37 (hg19) VCF-style: chr1-59150925-T-G.
Identifiers: ClinVar variation 3680030 (VCV003680030.2).

ClinVar aggregate classification (germline): Likely pathogenic (1 of 4 stars; one submission).

gnomAD v4.1: 1 of 1,603,992 alleles (0.000062%); highest among the groups gnomAD compares: Non-Finnish European, 0.000085%; no homozygotes.

Submission:

Labcorp Genetics (formerly Invitae), Labcorp
Classification: Likely pathogenic. Last evaluated: 2024-07-31. Review status: criteria provided, single submitter. Criteria: Invitae Variant Classification Sherloc (09022015). Collection method: clinical testing. Allele origin: germline.
Comment: This sequence change affects an acceptor splice site in intron 6 of the MYSM1 gene. It is expected to disrupt RNA splicing. Variants that disrupt the donor or acceptor splice site typically lead to a loss of protein function (PMID: 16199547), and loss-of-function variants in MYSM1 are known to be pathogenic (PMID: 24288411, 28115216). This variant is not present in population databases (gnomAD no frequency). This variant has not been reported in the literature in individuals affected with MYSM1-related conditions. Algorithms developed to predict the effect of sequence changes on RNA splicing suggest that this variant may disrupt the consensus splice site. In summary, the currently available evidence indicates that the variant is pathogenic, but additional data are needed to prove that conclusively. Therefore, this variant has been classified as Likely Pathogenic.

Literature cited by the submitters: PubMed 16199547; PubMed 24288411; PubMed 28115216.